The following is an entry in ClinVar:

ClinVar aggregate classification (germline): Likely benign (0 of 4 stars; one submission).

Conditions:
PCOLCE-related disorder. Also called: PCOLCE-related condition.

Allele frequency attached by ClinVar (database versions not stated): gnomAD exomes 0.00003; TOPMed 0.00004; ExAC 0.00006; ESP Exome Variant Server 0.00008.
gnomAD v4.1: 62 of 1,614,016 alleles (0.0038%); highest among the groups gnomAD compares: South Asian, 0.0055%; no homozygotes.

Submission:

PreventionGenetics, part of Exact Sciences
Classification: Likely benign for PCOLCE-related condition. Last evaluated: 2019-08-06. Review status: no assertion criteria provided. Collection method: clinical testing. Allele origin: germline.
Comment: This variant is classified as likely benign based on ACMG/AMP sequence variant interpretation guidelines (Richards et al. 2015 PMID: 25741868, with internal and published modifications).

NM_002593.4(PCOLCE):c.822G>A (p.Pro274=)

Gene: PCOLCE (procollagen C-endopeptidase enhancer; plus strand). Cytogenetic location: 7q22.1.
Variant type: single nucleotide variant.
Coding change: c.822G>A on transcript NM_002593.4 (MANE Select); coding-DNA position 822, G replaced by A.
Protein change: p.Pro274=; no amino-acid change (proline 274 retained).
Molecular consequence: synonymous variant.
Genome position (GRCh38, 1-based): chr7:100,606,512, G>A. VCF-style: chr7-100606512-G-A. GRCh37 (hg19) VCF-style: chr7-100204135-G-A.
Identifiers: ClinVar variation 3035359 (VCV003035359.2), dbSNP rs374118608, ClinGen allele CA4385703.